The following is an entry in ClinVar:

NM_001365536.1(SCN9A):c.1184A>T (p.Asn395Ile)

Genes: SCN9A (sodium voltage-gated channel alpha subunit 9; minus strand), SCN1A-AS1 (SCN1A and SCN9A antisense RNA 1; plus strand). Cytogenetic location: 2q24.3.
Variant type: single nucleotide variant.
Coding change: c.1184A>T on transcript NM_001365536.1 (MANE Select); coding-DNA position 1184, A replaced by T.
Protein change: p.Asn395Ile; replaces asparagine 395 with isoleucine.
Molecular consequence: missense variant.
Genome position (GRCh38, 1-based): chr2:166,288,567, T>A on the plus strand (A>T on the coding strand, the complement: SCN9A is on the minus strand). VCF-style: chr2-166288567-T-A. GRCh37 (hg19) VCF-style: chr2-167145077-T-A.
Other names: c.1184A>T, p.Asn395Ile (NM_002977.4); short protein forms N395I.
Identifiers: ClinVar variation 952880 (VCV000952880.10), dbSNP rs1697894526, ClinGen allele CA349085935.
Genomic context (GRCh38, chr2:166,288,567, plus strand): 5'-TCTTCAATGTTTGCCTGGTTCTGTTCTTCATATGCCATGGCAACCACAGCCAGGATCAAG[T>A]TTATTAGATAAAAGGAGCCCAGGAAAATCACTACGACAAAGAAGATCATGTAGGTTTTGC-3'
Protein context (NP_001352465.1, residues 385-405): VIFLGSFYLI[Asn395Ile]LILAVVAMAY

ClinVar aggregate classification (germline): Uncertain significance (1 of 4 stars; one submission).

Conditions:
Generalized epilepsy with febrile seizures plus, type 7 (GEFSP7). Also called: GEFS+, TYPE 7. Identifiers: Orphanet 36387, MedGen C2751778, MONDO:0013470, OMIM 613863.
Neuropathy, hereditary sensory and autonomic, type 2A (HSAN2A). Also called: MORVAN DISEASE; NEUROPATHY, CONGENITAL SENSORY; NEUROPATHY, HEREDITARY SENSORY RADICULAR, AUTOSOMAL RECESSIVE; NEUROPATHY, HEREDITARY SENSORY, TYPE IIA; NEUROPATHY, PROGRESSIVE SENSORY, OF CHILDREN; ACROOSTEOLYSIS, GIACCAI TYPE. Identifiers: Orphanet 970, MedGen C2752089, MONDO:0024309, OMIM 201300.

Submission:

Labcorp Genetics (formerly Invitae), Labcorp
Classification: Uncertain significance for Neuropathy, hereditary sensory and autonomic, type 2A; Generalized epilepsy with febrile seizures plus, type 7. Last evaluated: 2022-09-01. Review status: criteria provided, single submitter. Criteria: Invitae Variant Classification Sherloc (09022015). Collection method: clinical testing. Allele origin: germline.
Comment: This sequence change replaces asparagine, which is neutral and polar, with isoleucine, which is neutral and non-polar, at codon 395 of the SCN9A protein (p.Asn395Ile). In summary, the available evidence is currently insufficient to determine the role of this variant in disease. Therefore, it has been classified as a Variant of Uncertain Significance. Advanced modeling of protein sequence and biophysical properties (such as structural, functional, and spatial information, amino acid conservation, physicochemical variation, residue mobility, and thermodynamic stability) performed at Invitae indicates that this missense variant is expected to disrupt SCN9A protein function. ClinVar contains an entry for this variant (Variation ID: 952880). This variant has not been reported in the literature in individuals affected with SCN9A-related conditions. This variant is not present in population databases (gnomAD no frequency).